The following is an entry in ClinVar:

ClinVar aggregate classification (germline): Pathogenic. Review status: no assertion criteria provided (0 of 4 stars). 2 submissions from 2 submitters: Pathogenic (2). Last evaluated 2012-06-07.

Conditions:
Merosin deficient congenital muscular dystrophy (MDC1A). Also called: Congenital merosin-deficient muscular dystrophy 1A; Congenital Muscular Dystrophy Type 1A (MDC1A). Identifiers: Orphanet 258, MedGen C1263858, MONDO:0011925, OMIM 607855.

Submissions (2):

GeneReviews
Classification: Pathogenic for LAMA2-Related Muscular Dystrophy. Last evaluated: 2012-06-07. Review status: no assertion criteria provided. Collection method: curation. Allele origin: unknown.
ClinVar note: Converted during submission from pathologic to Pathogenic.

OMIM
Classification: Pathogenic for MUSCULAR DYSTROPHY, CONGENITAL MEROSIN-DEFICIENT. Last evaluated: 2008-12-01. Review status: no assertion criteria provided. Collection method: literature only. Allele origin: germline.

Literature cited by the submitters: PubMed 18700894 (cited by OMIM).

NM_000426.4(LAMA2):c.7750-1713_7899-2153del

Gene: LAMA2 (laminin subunit alpha 2; plus strand). Cytogenetic location: 6q22.33.
Variant type: Deletion.
Coding change: c.7750-1713_7899-2153del on transcript NM_000426.4 (MANE Select); 1713 bases into the intron before coding-DNA position 7750 through 2153 bases into the intron before coding-DNA position 7899, 4,988 bases deleted.
Molecular consequence: splice acceptor variant, splice donor variant.
Genome position (GRCh38, 1-based): chr6:129,484,761-129,489,748, 4,988 bases deleted. GRCh37 (hg19): chr6:129,805,906-129,810,893.
Other names: 5-KB DEL; c.7750-1713_7899-2153del4987 (NM_000426.3); c.7738-1713_7887-2153del (NM_001079823.2).
Identifiers: ClinVar variation 14303 (VCV000014303.3), ClinGen allele CA341328.